The following is an entry in ClinVar:

NM_000132.4(F8):c.1214T>C (p.Ile405Thr)

Gene: F8 (coagulation factor VIII; minus strand). Cytogenetic location: Xq28.
Variant type: single nucleotide variant.
Coding change: c.1214T>C on transcript NM_000132.4 (MANE Select); coding-DNA position 1214, T replaced by C.
Protein change: p.Ile405Thr; replaces isoleucine 405 with threonine.
Molecular consequence: missense variant.
Genome position (GRCh38, 1-based): chrX:154,966,483, A>G on the plus strand (T>C on the coding strand, the complement: F8 is on the minus strand). VCF-style: chrX-154966483-A-G. GRCh37 (hg19) VCF-style: chrX-154194758-A-G.
Other names: NM_000132.3:c.1214T>C; short protein forms I405T.
Identifiers: ClinVar variation 3390360 (VCV003390360.1).

ClinVar aggregate classification (germline): Pathogenic (3 of 4 stars; one submission).

Conditions:
Hereditary factor VIII deficiency disease (HEMA). Also called: HEMOPHILIA, CLASSIC; AUTOSOMAL HEMOPHILIA A; Hemophilia A; Hemophilia A, congenital; HEM A; Factor 8 deficiency, congenital. Identifiers: Orphanet 98878, MedGen C0019069, MONDO:0010602, OMIM 306700.

Submission:

ClinGen Coagulation Factor Deficiency Variant Curation Expert Panel, Clingen
Classification: Pathogenic for Hereditary factor VIII deficiency disease. Last evaluated: 2024-12-06. Review status: reviewed by expert panel. Criteria: ClinGen CoagFactor ACMG Specifications F8 V1.0.0. Collection method: curation. Allele origin: germline. Inheritance: X-linked inheritance.
Comment: The missense variant, NM_000132.3:c.1214T>C (p.Ile405Thr), is not reported in gnomAD v2.1.1 or v3 (PM2_Supporting). This variant has been reported in at least six male patients with moderate and severe Hemophilia A in the literature and meet phenotype criteria for F8 (PS4, PP4_Moderate, PMID: 29296726, 22103590, 24845853). The variant has a REVEL score of 0.981 (PP3, threshold >0.6). In summary, the variant meets criteria to be classified as likely pathogenic. c.1213T>C (p.Ile405Phe) is a variant at the same codon and is curated by the Coagulation Factor Deficiency VCEP to be likely pathogenic. c.1213T>C (p.Ile405Ser) is also a variant at the same codon and is curated by the Coagulation Factor Deficiency VCEP to be likely pathogenic so PM5 is met, however, the (p.Ile405Ser) was at VUS, so the (p.Ile405Phe) variant was used to apply PM5_Supporting to move it to LP. This variant reaches a classfication of Pathogenic. ACMG/AMP criteria applied, as specified by the Coagulation Factor Deficiency Variant Curation Expert Panel for F8: PS4, PP4_Moderate, PP3, PM2_Supporting.